The following is an entry in ClinVar:

ClinVar aggregate classification (germline): not provided (0 of 4 stars; one submission).

Conditions:
Large for gestational age. Identifiers: MedGen C1848395, HP:0001520.

Submission:

Institute of Molecular and Cell Biology, University of Tartu
No classification provided. Condition: Large for gestational age. Review status: no classification provided. Collection method: case-control. Allele origin: unknown. Affected: yes. Study: Kasak2014.
Comment: The study aimed to determine the contribution of copy number variants in the genetic etiology of normal and complicated pregnancies. The samples represented (i) maternal blood DNA drawn from healthy pregnant women during 1st or 2nd trimester and (ii) maternal and paternal blood DNA drawn at term pregnancy cases representing normal and complicated gestations (severe preeclampsia, PE; gestational diabetes, GD; small-for-gestational age newborn, SGA; large-for-gestational age newborn, LGA). We performed CNV calling based on genome-wide genotyping dataset (Illumina HumanOmniExpress-24-v1 BeadChip) by applying three algorithms, QuantiSNP, GADA (Genome Alteration Detection Algorithm) and CNstream in parallel. The acquired CNV calls were merged with HD-CNV (Hotspot Detector for Copy Number Variants) program and only the CNVs predicted by at least two programs, were considered in subsequent analysis.

Literature cited by the submitters: PubMed 25666259.

NC_000011.10:g.104883774_104890545del

Gene: CASP12 (caspase 12 (gene/pseudogene); minus strand). Cytogenetic location: 11q22.3.
Variant type: Deletion.
Genome position: GRCh38: chr11:104,883,774-104,890,545. GRCh37 (hg19): chr11:104,754,501-104,761,272.
Identifiers: ClinVar variation 157224 (VCV000157224.3), ClinGen allele CA212313.